The following is an entry in ClinVar:

NM_015192.4(PLCB1):c.265C>A (p.Leu89Ile)

Gene: PLCB1 (phospholipase C beta 1; plus strand). Cytogenetic location: 20p12.3.
Variant type: single nucleotide variant.
Coding change: c.265C>A on transcript NM_015192.4 (MANE Select); coding-DNA position 265, C replaced by A.
Protein change: p.Leu89Ile; replaces leucine 89 with isoleucine.
Molecular consequence: missense variant.
Genome position (GRCh38, 1-based): chr20:8,628,312, C>A. VCF-style: chr20-8628312-C-A. GRCh37 (hg19) VCF-style: chr20-8608959-C-A.
Other names: c.265C>A, p.Leu89Ile (NM_182734.3); short protein forms L89I.
Identifiers: ClinVar variation 1018972 (VCV001018972.9), dbSNP rs1988421541, ClinGen allele CA408261933.
Genomic context (GRCh38, chr20:8,628,312, plus strand): 5'-TCTCTAGTTATAGACTAATTATTTTCAATATTTATTACCCAGGACCCCAAATTACGTGAA[C>A]TTTTGGATGTGGGGAACATCGGGCGCCTGGAGCAGCGCATGATCACAGTGGTGTATGGGC-3'
Protein context (NP_056007.1, residues 79-99): KAPKDPKLRE[Leu89Ile]LDVGNIGRLE

ClinVar aggregate classification (germline): Uncertain significance (1 of 4 stars; one submission).

Conditions:
Developmental and epileptic encephalopathy, 12 (DEE12). Identifiers: MedGen C3150988, MONDO:0013389, OMIM 613722.

Allele frequency attached by ClinVar (database versions not stated): gnomAD exomes below 0.00001.
gnomAD v4.1: 2 of 1,613,786 alleles (0.00012%); highest among the groups gnomAD compares: Non-Finnish European, 0.00017%; no homozygotes.

Submission:

Labcorp Genetics (formerly Invitae), Labcorp
Classification: Uncertain significance for Developmental and epileptic encephalopathy, 12. Last evaluated: 2022-07-11. Review status: criteria provided, single submitter. Criteria: Invitae Variant Classification Sherloc (09022015). Collection method: clinical testing. Allele origin: germline.
Comment: This variant is not present in population databases (gnomAD no frequency). This sequence change replaces leucine, which is neutral and non-polar, with isoleucine, which is neutral and non-polar, at codon 89 of the PLCB1 protein (p.Leu89Ile). This variant has not been reported in the literature in individuals affected with PLCB1-related conditions. In summary, the available evidence is currently insufficient to determine the role of this variant in disease. Therefore, it has been classified as a Variant of Uncertain Significance. Algorithms developed to predict the effect of missense changes on protein structure and function (SIFT, PolyPhen-2, Align-GVGD) all suggest that this variant is likely to be tolerated. ClinVar contains an entry for this variant (Variation ID: 1018972).